The following is an entry in ClinVar:

NM_000038.6(APC):c.3709C>G (p.Gln1237Glu)

Gene: APC (APC regulator of Wnt signaling pathway; plus strand). Cytogenetic location: 5q22.2.
Variant type: single nucleotide variant.
Coding change: c.3709C>G on transcript NM_000038.6 (MANE Select); coding-DNA position 3709, C replaced by G.
Protein change: p.Gln1237Glu; replaces glutamine 1237 with glutamic acid.
Molecular consequence: missense variant.
Genome position (GRCh38, 1-based): chr5:112,839,303, C>G. VCF-style: chr5-112839303-C-G. GRCh37 (hg19) VCF-style: chr5-112175000-C-G.
Other names: c.3709C>G, p.Gln1237Glu (NM_001127510.3, NM_001354895.2, NM_001407450.1); c.3655C>G, p.Gln1219Glu (NM_001127511.3); c.3763C>G, p.Gln1255Glu (NM_001354896.2, NM_001407447.1, NM_001407448.1 and 1 more transcripts); c.3739C>G, p.Gln1247Glu (NM_001354897.2); c.3634C>G, p.Gln1212Glu (NM_001354898.2); c.3625C>G, p.Gln1209Glu (NM_001354899.2); c.3586C>G, p.Gln1196Glu (NM_001354900.2); c.3532C>G, p.Gln1178Glu (NM_001354901.2, NM_001407453.1); and 11 more; short protein forms Q1111E, Q1227E, Q1255E, Q1077E, Q1108E, Q1146E, Q1154E, Q1230E.
Identifiers: ClinVar variation 1734170 (VCV001734170.2), dbSNP rs1185643240, ClinGen allele CA16029470.

ClinVar aggregate classification (germline): Uncertain significance (1 of 4 stars; one submission).

Conditions:
Hereditary cancer-predisposing syndrome. Also called: Neoplastic Syndromes, Hereditary; Tumor predisposition; Hereditary Cancer Syndrome; Hereditary neoplastic syndrome. Identifiers: Orphanet 140162, MedGen C0027672, MeSH D009386, MONDO:0015356.

Allele frequency attached by ClinVar (database versions not stated): TOPMed below 0.00001.

Submission:

Ambry Genetics
Classification: Uncertain significance for Hereditary cancer-predisposing syndrome. Last evaluated: 2022-03-25. Review status: criteria provided, single submitter. Criteria: Ambry Variant Classification Scheme 2023. Collection method: clinical testing. Allele origin: germline.
Comment: The p.Q1237E variant (also known as c.3709C>G), located in coding exon 15 of the APC gene, results from a C to G substitution at nucleotide position 3709. The glutamine at codon 1237 is replaced by glutamic acid, an amino acid with highly similar properties. This amino acid position is well conserved in available vertebrate species. In addition, in silico predictors for this gene do not accurately predict pathogenicity. Since supporting evidence is limited at this time, the clinical significance of this alteration remains unclear.